The following is an entry in ClinVar:

NM_003119.4(SPG7):c.1508C>T (p.Thr503Ile)

Gene: SPG7 (SPG7 matrix AAA peptidase subunit, paraplegin; plus strand). Cytogenetic location: 16q24.3.
Variant type: single nucleotide variant.
Coding change: c.1508C>T on transcript NM_003119.4 (MANE Select); coding-DNA position 1508, C replaced by T.
Protein change: p.Thr503Ile; replaces threonine 503 with isoleucine.
Molecular consequence: missense variant.
Genome position (GRCh38, 1-based): chr16:89,546,716, C>T. VCF-style: chr16-89546716-C-T. GRCh37 (hg19) VCF-style: chr16-89613124-C-T.
Other names: c.1508C>T, p.Thr503Ile (NM_001363850.1); short protein forms T503I.
Identifiers: ClinVar variation 3236315 (VCV003236315.2).

ClinVar aggregate classification (germline): Uncertain significance. Review status: criteria provided, multiple submitters, no conflicts (2 of 4 stars). 2 submissions from 2 submitters: Uncertain significance (2). Last evaluated 2026-01-28.

Conditions:
Hereditary spastic paraplegia 7 (SPG7). Also called: Autosomal recessive spastic paraplegia type 7; SPASTIC PARAPLEGIA 7, AUTOSOMAL RECESSIVE, WITH OR WITHOUT CEREBELLAR ATAXIA; Spastic paraplegia 7; Hereditary spastic paraplegia Paraplegin type; SPG7-related neurologic disorder. Identifiers: Orphanet 99013, MedGen C1846564, MONDO:0011803, OMIM 607259.

Submissions (2):

Labcorp Genetics (formerly Invitae), Labcorp
Classification: Uncertain significance for Hereditary spastic paraplegia 7. Last evaluated: 2026-01-28. Review status: criteria provided, single submitter. Criteria: Invitae Variant Classification Sherloc (09022015). Collection method: clinical testing. Allele origin: germline.
Comment: This sequence change replaces threonine, which is neutral and polar, with isoleucine, which is neutral and non-polar, at codon 503 of the SPG7 protein (p.Thr503Ile). This variant is not present in population databases (gnomAD no frequency). This variant has not been reported in the literature in individuals affected with SPG7-related conditions. ClinVar contains an entry for this variant (Variation ID: 3236315). Invitae Evidence Modeling of protein sequence and biophysical properties (such as structural, functional, and spatial information, amino acid conservation, physicochemical variation, residue mobility, and thermodynamic stability) indicates that this missense variant is not expected to disrupt SPG7 protein function with a negative predictive value of 80%. In summary, the available evidence is currently insufficient to determine the role of this variant in disease. Therefore, it has been classified as a Variant of Uncertain Significance.

PROSPAX: an integrated multimodal progression  chart in spastic ataxias, Center for Neurology; Hertie-Institute for Clinical Brain Research
Classification: Uncertain significance for Hereditary spastic paraplegia 7. Last evaluated: 2022-01-01. Review status: criteria provided, single submitter. Criteria: ACMG Guidelines, 2015. Collection method: research. Allele origin: germline. Affected: yes. Observed: 1 variant allele, 1 compound heterozygote.